The following is an entry in ClinVar:

NM_001110556.2(FLNA):c.*11C>T

Genes: FLNA (filamin A; minus strand), LOC107988032 (Xq28 proximal FLNA-EMD recombination region; plus strand). Cytogenetic location: Xq28.
Variant type: single nucleotide variant.
Coding change: c.*11C>T on transcript NM_001110556.2 (MANE Select); 11 bases downstream of the stop codon, C replaced by T.
Molecular consequence: 3 prime UTR variant.
Genome position (GRCh38, 1-based): chrX:154,348,838, G>A on the plus strand (C>T on the coding strand, the complement: FLNA is on the minus strand). VCF-style: chrX-154348838-G-A. GRCh37 (hg19) VCF-style: chrX-153577206-G-A.
Other names: c.*11C>T (NM_001456.4).
Identifiers: ClinVar variation 2691498 (VCV002691498.1), dbSNP rs1393035586, ClinGen allele CA873333255.

ClinVar aggregate classification (germline): Uncertain significance (1 of 4 stars; one submission).

Allele frequency attached by ClinVar (database versions not stated): TOPMed below 0.00001.
gnomAD v4.1: 93 of 1,192,273 alleles (0.0078%); highest among the groups gnomAD compares: Non-Finnish European, 0.01%; no homozygotes.

Submission:

Women's Health and Genetics/Laboratory Corporation of America, LabCorp
Classification: Uncertain significance. Last evaluated: 2023-12-01. Review status: criteria provided, single submitter. Criteria: LabCorp Variant Classification Summary - May 2015. Collection method: clinical testing. Allele origin: germline.
Comment: Variant summary: FLNA c.*11C>T is located in the untranslated mRNA region downstream of the termination codon. The variant was absent in 166568 control chromosomes (gnomAD). The available data on variant occurrences in the general population are insufficient to allow any conclusion about variant significance. To our knowledge, no occurrence of c.*11C>T in individuals affected with Periventricular Nodular Heterotopia 1 and no experimental evidence demonstrating its impact on protein function have been reported. No submitters have cited clinical-significance assessments for this variant to ClinVar after 2014. Based on the evidence outlined above, the variant was classified as uncertain significance.